The following is an entry in ClinVar:

ClinVar aggregate classification (germline): Likely benign (1 of 4 stars; one submission).

Allele frequency attached by ClinVar (database versions not stated): gnomAD exomes 0.00002; ExAC 0.00004; TOPMed 0.00007; 1000 Genomes Project 30x 0.00016; 1000 Genomes Project 0.00020.
gnomAD v4.1: 38 of 1,614,076 alleles (0.0024%); highest among the groups gnomAD compares: Admixed American, 0.013%; no homozygotes.

Submission:

CeGaT Center for Human Genetics Tuebingen
Classification: Likely benign. Last evaluated: 2024-04-01. Review status: criteria provided, single submitter. Criteria: CeGaT Center For Human Genetics Tuebingen Variant Classification Criteria Version 2. Collection method: clinical testing. Allele origin: germline. Affected: yes. Observed: 1 variant allele.
Comment: POGZ: BP4, BP7

NM_015100.4(POGZ):c.846G>A (p.Thr282=)

Gene: POGZ (pogo transposable element derived with ZNF domain; minus strand). Cytogenetic location: 1q21.3.
Variant type: single nucleotide variant.
Coding change: c.846G>A on transcript NM_015100.4 (MANE Select); coding-DNA position 846, G replaced by A.
Protein change: p.Thr282=; no amino-acid change (threonine 282 retained).
Molecular consequence: synonymous variant.
Genome position (GRCh38, 1-based): chr1:151,428,136, C>T on the plus strand (G>A on the coding strand, the complement: POGZ is on the minus strand). VCF-style: chr1-151428136-C-T. GRCh37 (hg19) VCF-style: chr1-151400612-C-T.
Other names: c.846G>A, p.Thr282= (NM_001194937.2); c.687G>A, p.Thr229= (NM_001194938.2, NM_207171.2); c.867G>A, p.Thr289= (NM_001410860.1); c.561G>A, p.Thr187= (NM_145796.4).
Identifiers: ClinVar variation 3234468 (VCV003234468.20), dbSNP rs547565116, ClinGen allele CA1091560.